The following is an entry in ClinVar:

NM_000059.4(BRCA2):c.1861G>T (p.Glu621Ter)

Gene: BRCA2 (BRCA2 DNA repair associated; plus strand). Cytogenetic location: 13q13.1.
Variant type: single nucleotide variant.
Coding change: c.1861G>T on transcript NM_000059.4 (MANE Select); coding-DNA position 1861, G replaced by T.
Protein change: p.Glu621Ter; replaces glutamic acid 621 with a stop codon.
Molecular consequence: nonsense.
Genome position (GRCh38, 1-based): chr13:32,333,339, G>T. VCF-style: chr13-32333339-G-T. GRCh37 (hg19) VCF-style: chr13-32907476-G-T.
Other names: c.1861G>T, p.Glu621Ter (NM_001406719.1, NM_001406720.1, NM_001406721.1); short protein forms E621*.
Identifiers: ClinVar variation 1781517 (VCV001781517.2), dbSNP rs2137475784, ClinGen allele CA387766465.

ClinVar aggregate classification (germline): Pathogenic (1 of 4 stars; one submission).

Conditions:
Hereditary cancer-predisposing syndrome. Also called: Neoplastic Syndromes, Hereditary; Tumor predisposition; Hereditary Cancer Syndrome; Hereditary neoplastic syndrome. Identifiers: Orphanet 140162, MedGen C0027672, MeSH D009386, MONDO:0015356.

Submission:

Ambry Genetics
Classification: Pathogenic for Hereditary cancer-predisposing syndrome. Last evaluated: 2019-10-18. Review status: criteria provided, single submitter. Criteria: Ambry Variant Classification Scheme 2023. Collection method: clinical testing. Allele origin: germline.
Comment: The p.E621* pathogenic mutation (also known as c.1861G>T), located in coding exon 9 of the BRCA2 gene, results from a G to T substitution at nucleotide position 1861. This changes the amino acid from a glutamic acid to a stop codon within coding exon 9. This alteration is expected to result in loss of function by premature protein truncation or nonsense-mediated mRNA decay. As such, this alteration is interpreted as a disease-causing mutation.